The following is an entry in ClinVar:

NM_004991.4(MECOM):c.3669G>T (p.Met1223Ile)

Gene: MECOM (MDS1 and EVI1 complex locus; minus strand). Cytogenetic location: 3q26.2.
Variant type: single nucleotide variant.
Coding change: c.3669G>T on transcript NM_004991.4 (MANE Select); coding-DNA position 3669, G replaced by T.
Protein change: p.Met1223Ile; replaces methionine 1223 with isoleucine.
Molecular consequence: missense variant.
Genome position (GRCh38, 1-based): chr3:169,084,960, C>A on the plus strand (G>T on the coding strand, the complement: MECOM is on the minus strand). VCF-style: chr3-169084960-C-A. GRCh37 (hg19) VCF-style: chr3-168802748-C-A.
Other names: c.3078G>T, p.Met1026Ile (NM_001366471.2, NM_001366472.2, NM_001164000.2); c.2670G>T, p.Met890Ile (NM_001366473.2); c.2106G>T, p.Met702Ile (NM_001366474.2); c.3105G>T, p.Met1035Ile (NM_005241.4, NM_001105078.4, NM_001205194.2 and 1 more transcripts); c.3300G>T, p.Met1100Ile (NM_001105077.4); c.3081G>T, p.Met1027Ile (NM_001163999.2, NM_001366470.2); c.3642G>T, p.Met1214Ile (NM_001366466.2); c.3108G>T, p.Met1036Ile (NM_001366467.2, NM_001366468.2); short protein forms M1035I, M1214I, M890I, M1036I, M702I, M1026I, M1027I, M1100I.
Identifiers: ClinVar variation 4105802 (VCV004105802.1).

ClinVar aggregate classification (germline): Uncertain significance (1 of 4 stars; one submission).

Conditions:
Inborn genetic diseases. Identifiers: MedGen C0950123, MeSH D030342.

Submission:

Ambry Genetics
Classification: Uncertain significance for Inborn genetic diseases. Last evaluated: 2025-07-28. Review status: criteria provided, single submitter. Criteria: Ambry Variant Classification Scheme 2023. Collection method: clinical testing. Allele origin: germline.
Comment: The p.M1223I variant (also known as c.3669G>T), located in coding exon 17 of the MECOM gene, results from a G to T substitution at nucleotide position 3669. The methionine at codon 1223 is replaced by isoleucine, an amino acid with highly similar properties. This amino acid position is conserved. In addition, this alteration is predicted to be tolerated by in silico analysis. Based on the available evidence, the clinical significance of this variant remains unclear.